The following is an entry in ClinVar:

ClinVar aggregate classification (germline): Uncertain significance. Review status: criteria provided, multiple submitters, no conflicts (2 of 4 stars). 2 submissions from 2 submitters: Uncertain significance (2). Last evaluated 2026-06-01.

Submissions (2):

CeGaT Center for Human Genetics Tuebingen
Classification: Uncertain significance. Last evaluated: 2026-06-01. Review status: criteria provided, single submitter. Criteria: CeGaT Center For Human Genetics Tuebingen Variant Classification Criteria Version 2. Collection method: clinical testing. Allele origin: germline. Affected: yes. Observed: 1 variant allele.
Comment: CLTC: PM2, PP2, BP5

Labcorp Genetics (formerly Invitae), Labcorp
Classification: Uncertain significance. Last evaluated: 2025-10-02. Review status: criteria provided, single submitter. Criteria: Invitae Variant Classification Sherloc (09022015). Collection method: clinical testing. Allele origin: germline.
Comment: This sequence change replaces alanine, which is neutral and non-polar, with threonine, which is neutral and polar, at codon 315 of the CLTC protein (p.Ala315Thr). This variant is not present in population databases (gnomAD no frequency). This variant has not been reported in the literature in individuals affected with CLTC-related conditions. ClinVar contains an entry for this variant (Variation ID: 3679015). Invitae Evidence Modeling of protein sequence and biophysical properties (such as structural, functional, and spatial information, amino acid conservation, physicochemical variation, residue mobility, and thermodynamic stability) indicates that this missense variant is not expected to disrupt CLTC protein function with a negative predictive value of 80%. In summary, the available evidence is currently insufficient to determine the role of this variant in disease. Therefore, it has been classified as a Variant of Uncertain Significance.

NM_004859.4(CLTC):c.931G>A (p.Ala311Thr)

Gene: CLTC (clathrin heavy chain; plus strand). Cytogenetic location: 17q23.1.
Variant type: single nucleotide variant.
Coding change: c.931G>A on transcript NM_004859.4 (MANE Select); coding-DNA position 931, G replaced by A.
Protein change: p.Ala311Thr; replaces alanine 311 with threonine.
Molecular consequence: missense variant.
Genome position (GRCh38, 1-based): chr17:59,655,989, G>A. VCF-style: chr17-59655989-G-A. GRCh37 (hg19) VCF-style: chr17-57733350-G-A.
Other names: c.943G>A, p.Ala315Thr (NM_001288653.2); short protein forms A311T, A315T.
Identifiers: ClinVar variation 3679015 (VCV003679015.4).